The following is an entry in ClinVar:

NM_001042492.3(NF1):c.404G>T (p.Arg135Leu)

Gene: NF1 (neurofibromin 1; plus strand). Cytogenetic location: 17q11.2.
Variant type: single nucleotide variant.
Coding change: c.404G>T on transcript NM_001042492.3 (MANE Select); coding-DNA position 404, G replaced by T.
Protein change: p.Arg135Leu; replaces arginine 135 with leucine.
Molecular consequence: missense variant.
Genome position (GRCh38, 1-based): chr17:31,163,301, G>T. VCF-style: chr17-31163301-G-T. GRCh37 (hg19) VCF-style: chr17-29490319-G-T.
Other names: c.404G>T, p.Arg135Leu (NM_000267.4, NM_001128147.3); short protein forms R135L.
Identifiers: ClinVar variation 862514 (VCV000862514.8), dbSNP rs1060500244, ClinGen allele CA398981877.
Genomic context (GRCh38, chr17:31,163,301, plus strand): 5'-CAGAAATCTGCCATTTTCTTCACACCTGTCGTGAAGGAAACCAGCATGCAGCTGAACTTC[G>T]GAATTCTGCCTCTGGGGTTTTATTTTCTCTCAGCTGCAACAACTTCAATGCAGTCTTTAG-3'
Protein context (NP_001035957.1, residues 125-145): REGNQHAAEL[Arg135Leu]NSASGVLFSL

ClinVar aggregate classification (germline): Uncertain significance. Review status: criteria provided, multiple submitters, no conflicts (2 of 4 stars). 2 submissions from 2 submitters: Uncertain significance (2). Last evaluated 2026-08-12.

Conditions:
Neurofibromatosis, type 1 (NF1). Also called: NEUROFIBROMATOSIS, TYPE I, SOMATIC; VON RECKLINGHAUSEN DISEASE; Peripheral type neurofibromatosis; Neurofibromatosis, type I. Identifiers: Orphanet 636, MedGen C0027831, MONDO:0018975, OMIM 162200. Disease mechanism: loss of function.

Submissions (2):

GeneDx
Classification: Uncertain significance. Last evaluated: 2026-08-12. Review status: criteria provided, single submitter. Criteria: GeneDx Variant Classification Process June 2021. Collection method: clinical testing. Allele origin: germline.
Comment: Not observed at significant frequency in large population cohorts (gnomAD); In silico analysis supports that this missense variant has a deleterious effect on protein structure/function; This variant is associated with the following publications: (PMID: 36243179, 30287823)

Labcorp Genetics (formerly Invitae), Labcorp
Classification: Uncertain significance for Neurofibromatosis, type 1. Last evaluated: 2023-07-17. Review status: criteria provided, single submitter. Criteria: Invitae Variant Classification Sherloc (09022015). Collection method: clinical testing. Allele origin: germline.
Comment: ClinVar contains an entry for this variant (Variation ID: 862514). In summary, the available evidence is currently insufficient to determine the role of this variant in disease. Therefore, it has been classified as a Variant of Uncertain Significance. Advanced modeling of protein sequence and biophysical properties (such as structural, functional, and spatial information, amino acid conservation, physicochemical variation, residue mobility, and thermodynamic stability) performed at Invitae indicates that this missense variant is expected to disrupt NF1 protein function. This variant has not been reported in the literature in individuals affected with NF1-related conditions. This variant is not present in population databases (gnomAD no frequency). This sequence change replaces arginine, which is basic and polar, with leucine, which is neutral and non-polar, at codon 135 of the NF1 protein (p.Arg135Leu).